The following is an entry in ClinVar:

ClinVar aggregate classification (germline): Likely benign. Review status: criteria provided, multiple submitters, no conflicts (2 of 4 stars). 2 submissions from 2 submitters: Likely benign (2). Last evaluated 2024-10-28.

Conditions:
Kabuki syndrome. Also called: Kabuki make-up syndrome; NIIKAWA-KUROKI SYNDROME. Identifiers: Orphanet 2322, MedGen C0796004, MONDO:0016512.

Allele frequency attached by ClinVar (database versions not stated): gnomAD 0.00001; TOPMed 0.00001.
gnomAD v4.1: 3 of 1,607,876 alleles (0.00019%); highest among the groups gnomAD compares: African/African-American, 0.0013%; no homozygotes.

Submissions (2):

Labcorp Genetics (formerly Invitae), Labcorp
Classification: Likely benign for Kabuki syndrome. Last evaluated: 2024-10-28. Review status: criteria provided, single submitter. Criteria: Invitae Variant Classification Sherloc (09022015). Collection method: clinical testing. Allele origin: germline.

CeGaT Center for Human Genetics Tuebingen
Classification: Likely benign. Last evaluated: 2023-10-01. Review status: criteria provided, single submitter. Criteria: CeGaT Center For Human Genetics Tuebingen Variant Classification Criteria Version 2. Collection method: clinical testing. Allele origin: germline. Affected: yes. Observed: 1 variant allele.
Comment: KMT2D: BP4

NM_003482.4(KMT2D):c.13523A>G (p.Asn4508Ser)

Gene: KMT2D (lysine methyltransferase 2D; minus strand). Cytogenetic location: 12q13.12.
Variant type: single nucleotide variant.
Coding change: c.13523A>G on transcript NM_003482.4 (MANE Select); coding-DNA position 13523, A replaced by G.
Protein change: p.Asn4508Ser; replaces asparagine 4508 with serine.
Molecular consequence: missense variant.
Genome position (GRCh38, 1-based): chr12:49,031,182, T>C on the plus strand (A>G on the coding strand, the complement: KMT2D is on the minus strand). VCF-style: chr12-49031182-T-C. GRCh37 (hg19) VCF-style: chr12-49424965-T-C.
Other names: short protein forms N4508S.
Identifiers: ClinVar variation 2101862 (VCV002101862.28), dbSNP rs1236246147, ClinGen allele CA384703879.